The following is an entry in ClinVar:

ClinVar aggregate classification (germline): Conflicting classifications of pathogenicity. Review status: criteria provided, conflicting classifications (1 of 4 stars). 3 submissions from 3 submitters: Likely pathogenic (2); Uncertain significance (1). Last evaluated 2026-07-27.

Conditions:
Cardiovascular phenotype. Identifiers: MedGen CN230736.
Desmin-related myofibrillar myopathy (MFM1). Also called: MYOFIBRILLAR MYOPATHY WITH ARRHYTHMOGENIC RIGHT VENTRICULAR CARDIOMYOPATHY; DESMIN-RELATED MYOPATHY WITH ARRHYTHMOGENIC RIGHT VENTRICULAR CARDIOMYOPATHY; Myofibrillar myopathy 1; Desminopathy; Desmin storage myopathy (former name); Desmin related myopathy (former name). Identifiers: Orphanet 363543, Orphanet 98909, MedGen C1832370, MONDO:0011076, OMIM 601419.

Submissions (3):

Molecular Diagnostic Laboratory for Inherited Cardiovascular Disease, Montreal Heart Institute
Classification: Likely pathogenic for Cardiovascular phenotype. Last evaluated: 2026-07-27. Review status: criteria provided, single submitter. Criteria: ACMG Guidelines, 2015. Collection method: clinical testing. Allele origin: germline. Affected: yes.
Comment: PS3_mod, PM1, PM2, PM5, PP3

Labcorp Genetics (formerly Invitae), Labcorp
Classification: Likely pathogenic for Desmin-related myofibrillar myopathy. Last evaluated: 2022-11-29. Review status: criteria provided, single submitter. Criteria: Invitae Variant Classification Sherloc (09022015). Collection method: clinical testing. Allele origin: germline.
Comment: This variant has not been reported in the literature in individuals affected with DES-related conditions. In summary, the currently available evidence indicates that the variant is pathogenic, but additional data are needed to prove that conclusively. Therefore, this variant has been classified as Likely Pathogenic. This variant disrupts the p.Asn116 amino acid residue in DES. Other variant(s) that disrupt this residue have been determined to be pathogenic (PMID: 20829228, 22403400, 26676851). This suggests that this residue is clinically significant, and that variants that disrupt this residue are likely to be disease-causing. Advanced modeling of protein sequence and biophysical properties (such as structural, functional, and spatial information, amino acid conservation, physicochemical variation, residue mobility, and thermodynamic stability) performed at Invitae indicates that this missense variant is expected to disrupt DES protein function. ClinVar contains an entry for this variant (Variation ID: 228547). This variant is not present in population databases (gnomAD no frequency). This sequence change replaces asparagine, which is neutral and polar, with isoleucine, which is neutral and non-polar, at codon 116 of the DES protein (p.Asn116Ile).

Laboratory for Molecular Medicine, Mass General Brigham Personalized Medicine
Classification: Uncertain significance. Last evaluated: 2015-07-02. Review status: criteria provided, single submitter. Criteria: LMM Criteria. Collection method: clinical testing. Allele origin: germline. Observed: 1 variant allele.
Comment: The p.Asn116Ile variant in DES has not been previously reported in individuals w ith cardiomyopathy. Of note, a different amino acid alteration at this position (p.Asn116Ser) has been reported de novo in 1 individual with early-onset ARVC an d myofibrillar myopathy (Klauke 2010). Data from large population studies is ins ufficient to assess the frequency of this variant. Computational prediction tool s and conservation analysis suggest that the p.Asn116Ile variant may impact the protein, though this information is not predictive enough to determine pathogeni city. In summary, the clinical significance of the p.Asn116Ile variant is uncert ain.

Literature cited by the submitters: PubMed 20829228 (cited by Labcorp Genetics (formerly Invitae), Labcorp and Laboratory for Molecular Medicine, Mass General Brigham Personalized Medicine); PubMed 22403400 (cited by Labcorp Genetics (formerly Invitae), Labcorp); PubMed 26676851 (cited by Labcorp Genetics (formerly Invitae), Labcorp).

NM_001927.4(DES):c.347A>T (p.Asn116Ile)

Gene: DES (desmin; plus strand). Cytogenetic location: 2q35.
Variant type: single nucleotide variant.
Coding change: c.347A>T on transcript NM_001927.4 (MANE Select); coding-DNA position 347, A replaced by T.
Protein change: p.Asn116Ile; replaces asparagine 116 with isoleucine.
Molecular consequence: missense variant.
Genome position (GRCh38, 1-based): chr2:219,418,809, A>T. VCF-style: chr2-219418809-A-T. GRCh37 (hg19) VCF-style: chr2-220283531-A-T.
Other names: short protein forms N116I.
Identifiers: ClinVar variation 228547 (VCV000228547.13), dbSNP rs267607499, ClinGen allele CA10576588.